The following is an entry in ClinVar:

NM_001458.5(FLNC):c.1206_1207dup (p.Ala403fs)

Gene: FLNC (filamin C; plus strand). Cytogenetic location: 7q32.1.
Variant type: Duplication.
Coding change: c.1206_1207dup on transcript NM_001458.5 (MANE Select); coding-DNA positions 1206 to 1207, 2 bases duplicated (TG; older notation c.1206_1207dupTG).
Protein change: p.Ala403fs; shifts the reading frame from alanine 403.
Molecular consequence: frameshift variant.
Genome position (GRCh38, 1-based): chr7:128,838,425-128,838,426, TG duplicated. VCF-style (leftmost placement, unchanged base first): chr7-128838424-C-CTG. GRCh37 (hg19) VCF-style: chr7-128478478-C-CTG.
Other names: c.1206_1207dup, p.Ala403fs (NM_001127487.2); short protein forms A403fs.
Identifiers: ClinVar variation 2937732 (VCV002937732.3), dbSNP rs2536621359, ClinGen allele CA2740097539.
Genomic context (GRCh38, chr7:128,838,424, plus strand): 5'-GCCCTGGCCTGGAACCTGTGGGCAATGTGGCCAACAAACCCACCTACTTTGACATCTACA[C>CTG]TGCGGGTAGGACGGGCCCCAGGGGGTGCAGGTGGAAAGCCCCTGACCATGTGGGGCTGTG-3'

ClinVar aggregate classification (germline): Pathogenic (1 of 4 stars; one submission).

Conditions:
Hypertrophic cardiomyopathy 26. Also called: Cardiomyopathy, familial hypertrophic, 26. Identifiers: Orphanet 75249, MedGen C4310749, MONDO:0014883, OMIM 617047.
Myofibrillar myopathy 5. Also called: Filaminopathy (type); FILAMINOPATHY, AUTOSOMAL DOMINANT. Identifiers: Orphanet 171445, MedGen C1836050, MONDO:0012289, OMIM 609524.
Distal myopathy with posterior leg and anterior hand involvement. Also called: WILLIAMS DISTAL MYOPATHY. Identifiers: Orphanet 63273, MedGen C3279722, MONDO:0013550, OMIM 614065.

Submission:

Labcorp Genetics (formerly Invitae), Labcorp
Classification: Pathogenic for Distal myopathy with posterior leg and anterior hand involvement; Myofibrillar myopathy 5; Hypertrophic cardiomyopathy 26. Last evaluated: 2023-07-03. Review status: criteria provided, single submitter. Criteria: Invitae Variant Classification Sherloc (09022015). Collection method: clinical testing. Allele origin: germline.
Comment: For these reasons, this variant has been classified as Pathogenic. This variant has not been reported in the literature in individuals affected with FLNC-related conditions. This variant is not present in population databases (gnomAD no frequency). This sequence change creates a premature translational stop signal (p.Ala403Valfs*12) in the FLNC gene. It is expected to result in an absent or disrupted protein product. Loss-of-function variants in FLNC are known to be pathogenic (PMID: 27908349).

Literature cited by the submitters: PubMed 27908349.